The following is an entry in ClinVar:

NM_006206.6(PDGFRA):c.318G>C (p.Gln106His)

Gene: PDGFRA (platelet derived growth factor receptor alpha; plus strand). Cytogenetic location: 4q12.
Variant type: single nucleotide variant.
Coding change: c.318G>C on transcript NM_006206.6 (MANE Select); coding-DNA position 318, G replaced by C.
Protein change: p.Gln106His; replaces glutamine 106 with histidine.
Molecular consequence: missense variant.
Genome position (GRCh38, 1-based): chr4:54,261,363, G>C. VCF-style: chr4-54261363-G-C. GRCh37 (hg19) VCF-style: chr4-55127530-G-C.
Other names: c.318G>C, p.Gln106His (NM_001347827.2, NM_001347829.2); c.393G>C, p.Gln131His (NM_001347828.2); c.357G>C, p.Gln119His (NM_001347830.2); short protein forms Q106H, Q119H, Q131H.
Identifiers: ClinVar variation 2699661 (VCV002699661.4), dbSNP rs878854828, ClinGen allele CA356888929.

ClinVar aggregate classification (germline): Uncertain significance. Review status: criteria provided, multiple submitters, no conflicts (2 of 4 stars). 2 submissions from 2 submitters: Uncertain significance (2). Last evaluated 2025-12-22.

Conditions:
Hereditary cancer-predisposing syndrome. Also called: Neoplastic Syndromes, Hereditary; Hereditary neoplastic syndrome; Tumor predisposition; Hereditary Cancer Syndrome. Identifiers: Orphanet 140162, MedGen C0027672, MeSH D009386, MONDO:0015356.
Gastrointestinal stromal tumor. Also called: Gastrointestinal stromal tumor, somatic; Gastrointestinal stroma tumor. Identifiers: Orphanet 44890, MedGen C0238198, MeSH D046152, MONDO:0011719, OMIM 606764, HP:0100723.

Submissions (2):

Ambry Genetics
Classification: Uncertain significance for Hereditary cancer-predisposing syndrome. Last evaluated: 2025-12-22. Review status: criteria provided, single submitter. Criteria: Ambry Variant Classification Scheme 2023. Collection method: clinical testing. Allele origin: germline.
Comment: The p.Q106H variant (also known as c.318G>C), located in coding exon 2 of the PDGFRA gene, results from a G to C substitution at nucleotide position 318. The glutamine at codon 106 is replaced by histidine, an amino acid with highly similar properties. This amino acid position is conserved. In addition, this alteration is predicted to be tolerated by in silico analysis. Based on the available evidence, the clinical significance of this variant remains unclear.

Labcorp Genetics (formerly Invitae), Labcorp
Classification: Uncertain significance for Gastrointestinal stromal tumor. Last evaluated: 2024-08-20. Review status: criteria provided, single submitter. Criteria: Invitae Variant Classification Sherloc (09022015). Collection method: clinical testing. Allele origin: germline.
Comment: This sequence change replaces glutamine, which is neutral and polar, with histidine, which is basic and polar, at codon 106 of the PDGFRA protein (p.Gln106His). This variant is not present in population databases (gnomAD no frequency). This variant has not been reported in the literature in individuals affected with PDGFRA-related conditions. An algorithm developed to predict the effect of missense changes on protein structure and function (PolyPhen-2) suggests that this variant is likely to be tolerated. In summary, the available evidence is currently insufficient to determine the role of this variant in disease. Therefore, it has been classified as a Variant of Uncertain Significance.